The following is an entry in ClinVar:

ClinVar aggregate classification (germline): Uncertain significance (1 of 4 stars; one submission).

Submission:

Labcorp Genetics (formerly Invitae), Labcorp
Classification: Uncertain significance. Last evaluated: 2020-11-13. Review status: criteria provided, single submitter. Criteria: Invitae Variant Classification Sherloc (09022015). Collection method: clinical testing. Allele origin: germline.
Comment: This variant results in a copy number gain of the genomic region encompassing the full coding sequence of the COL2A1 gene. The boundaries of this event are unknown as they extend beyond the assayed region for this gene and therefore may encompass additional genes. As the precise location of this event is unknown, it may be in tandem or it may be located elsewhere in the genome. In summary, the available evidence is currently insufficient to determine the role of this variant in disease. Therefore, it has been classified as a Variant of Uncertain Significance. Experimental studies and prediction algorithms are not available or were not evaluated, and the functional significance of this variant is currently unknown. This variant has not been reported in the literature in individuals with COL2A1-related conditions.

NC_000012.11:g.(?_48240430)_(48539491_?)dup

Genes: VDR (vitamin D receptor; minus strand), COL2A1 (collagen type II alpha 1 chain; minus strand), PFKM (phosphofructokinase, muscle; plus strand), SENP1 (SUMO specific peptidase 1; minus strand), TMEM106C (transmembrane protein 106C; plus strand). Cytogenetic location: 12q13.11.
Variant type: Duplication.
Identifiers: ClinVar variation 1019837 (VCV001019837.5).